The following is an entry in ClinVar:

ClinVar aggregate classification (germline): Uncertain significance. Review status: criteria provided, multiple submitters, no conflicts (2 of 4 stars). 5 submissions from 5 submitters: Uncertain significance (5). Last evaluated 2024-01-08.

Conditions:
Charcot-Marie-Tooth disease type 4. Also called: Charcot-Marie-Tooth disease, type IV; Charcot-Marie-Tooth, Type 4. Identifiers: Orphanet 64749, MedGen C4082197, MONDO:0018995.
Charcot-Marie-Tooth disease. Also called: Charcot-Marie-Tooth Neuropathy; Charcot-Marie-Tooth Hereditary Neuropathy. Identifiers: Orphanet 166, MedGen C0007959, MONDO:0015626.
Inborn genetic diseases. Identifiers: MedGen C0950123, MeSH D030342.

Allele frequency attached by ClinVar (database versions not stated): ExAC 0.00080.
gnomAD v4.1: 107 of 1,554,174 alleles (0.0069%); highest among the groups gnomAD compares: South Asian, 0.12%; 1 homozygote.

Submissions (5):

Labcorp Genetics (formerly Invitae), Labcorp
Classification: Uncertain significance for Charcot-Marie-Tooth disease type 4. Last evaluated: 2024-01-08. Review status: criteria provided, single submitter. Criteria: Invitae Variant Classification Sherloc (09022015). Collection method: clinical testing. Allele origin: germline.
Comment: This sequence change replaces arginine, which is basic and polar, with glycine, which is neutral and non-polar, at codon 228 of the PRX protein (p.Arg228Gly). This variant is present in population databases (rs751238438, gnomAD 0.2%). This missense change has been observed in individual(s) with clinical features of Charcot-Marie-Tooth disease (PMID: 32376792). ClinVar contains an entry for this variant (Variation ID: 643081). Algorithms developed to predict the effect of missense changes on protein structure and function output the following: SIFT: "Not Available"; PolyPhen-2: "Benign"; Align-GVGD: "Not Available". The glycine amino acid residue is found in multiple mammalian species, which suggests that this missense change does not adversely affect protein function. In summary, the available evidence is currently insufficient to determine the role of this variant in disease. Therefore, it has been classified as a Variant of Uncertain Significance.

Mayo Clinic Laboratories, Mayo Clinic
Classification: Uncertain significance. Last evaluated: 2023-02-02. Review status: criteria provided, single submitter. Criteria: ACMG Guidelines, 2015. Collection method: clinical testing. Allele origin: germline. Observed: 1 variant allele.
Comment: BP4

Ambry Genetics
Classification: Uncertain significance for Inborn genetic diseases. Last evaluated: 2021-08-11. Review status: criteria provided, single submitter. Criteria: Ambry Variant Classification Scheme 2023. Collection method: clinical testing. Allele origin: germline.
Comment: The p.R228G variant (also known as c.682C>G), located in coding exon 4 of the PRX gene, results from a C to G substitution at nucleotide position 682. The arginine at codon 228 is replaced by glycine, an amino acid with dissimilar properties. This amino acid position is conserved. In addition, this alteration is predicted to be tolerated by in silico analysis. Since supporting evidence is limited at this time, the clinical significance of this alteration remains unclear.

GeneDx
Classification: Uncertain significance. Last evaluated: 2019-03-28. Review status: criteria provided, single submitter. Criteria: GeneDx Variant Classification Process June 2021. Collection method: clinical testing. Allele origin: germline. Affected: yes.
Comment: In silico analysis, which includes protein predictors and evolutionary conservation, supports that this variant does not alter protein structure/function; Has not been previously published as pathogenic or benign to our knowledge; This variant is associated with the following publications: (PMID: 32376792)

Molecular Genetics Laboratory, London Health Sciences Centre
Classification: Uncertain significance for Charcot-Marie-Tooth disease. Review status: criteria provided, single submitter. Criteria: ACMG Guidelines, 2015. Collection method: clinical testing. Allele origin: germline. Affected: yes.

Literature cited by the submitters: PubMed 32376792 (cited by Labcorp Genetics (formerly Invitae), Labcorp and Mayo Clinic Laboratories, Mayo Clinic).

NM_181882.3(PRX):c.682C>G (p.Arg228Gly)

Gene: PRX (periaxin; minus strand). Cytogenetic location: 19q13.2.
Variant type: single nucleotide variant.
Coding change: c.682C>G on transcript NM_181882.3 (MANE Select); coding-DNA position 682, C replaced by G.
Protein change: p.Arg228Gly; replaces arginine 228 with glycine.
Molecular consequence: missense variant. On other transcripts: 3 prime UTR variant (1).
Genome position (GRCh38, 1-based): chr19:40,397,670, G>C on the plus strand (C>G on the coding strand, the complement: PRX is on the minus strand). VCF-style: chr19-40397670-G-C. GRCh37 (hg19) VCF-style: chr19-40903577-G-C.
Other names: p.Arg228Gly; c.*887C>G (NM_020956.2); short protein forms R228G.
Identifiers: ClinVar variation 643081 (VCV000643081.12), dbSNP rs751238438, ClinGen allele CA9444398.